The following is an entry in ClinVar:

ClinVar aggregate classification (germline): Likely pathogenic (1 of 4 stars; one submission).

Conditions:
FRAS1-related disorder. Also called: FRAS1-related condition.

gnomAD v4.1: 1 of 1,613,120 alleles (0.000062%); highest among the groups gnomAD compares: Non-Finnish European, 0.000085%; no homozygotes.

Submission:

PreventionGenetics, part of Exact Sciences
Classification: Likely pathogenic for FRAS1-related condition. Last evaluated: 2026-01-02. Review status: criteria provided, single submitter. Criteria: ACMG Guidelines, 2015. Collection method: clinical testing. Allele origin: germline.
Comment: The FRAS1 c.9116-1G>T variant is predicted to disrupt the AG splice acceptor site and interfere with normal splicing. This variant abolishes the canonical AG acceptor site but creates an alternate AG acceptor site, that if utilized, is predicted to result in a frameshift (SpliceAI, Jaganathan et al. 2019. PubMed ID: 30661751). However, the use of computer prediction programs is not equivalent to functional evidence. To our knowledge, this variant has not been reported in the literature or in a large population database (gnomAD), indicating this variant is rare. Variants that disrupt the consensus splice acceptor site in FRAS1 are expected to be pathogenic. This variant is interpreted as likely pathogenic.

NM_025074.7(FRAS1):c.9116-1G>T

Gene: FRAS1 (Fraser extracellular matrix complex subunit 1; plus strand). Cytogenetic location: 4q21.21.
Variant type: single nucleotide variant.
Coding change: c.9116-1G>T on transcript NM_025074.7 (MANE Select); the canonical splice acceptor site of the intron before coding-DNA position 9116, G replaced by T.
Molecular consequence: splice acceptor variant.
Genome position (GRCh38, 1-based): chr4:78,499,720, G>T. VCF-style: chr4-78499720-G-T. GRCh37 (hg19) VCF-style: chr4-79420874-G-T.
Identifiers: ClinVar variation 4996214 (VCV004996214.1).